The following is an entry in ClinVar:

ClinVar aggregate classification (germline): Uncertain significance. Review status: criteria provided, multiple submitters, no conflicts (2 of 4 stars). 6 submissions from 6 submitters: Uncertain significance (6). Last evaluated 2025-04-09.

Conditions:
Cardiovascular phenotype. Identifiers: MedGen CN230736.
Familial isolated arrhythmogenic right ventricular dysplasia. Identifiers: Orphanet 217656, MedGen C4274968, MONDO:0016342.
Arrhythmogenic right ventricular dysplasia 11. Also called: ARRHYTHMOGENIC RIGHT VENTRICULAR DYSPLASIA, FAMILIAL, 11; Arrhythmogenic Right Ventricular Dysplasia/Cardiomyopathy11; Arrhythmogenic right ventricular dysplasia 11 with mild palmoplantar keratoderma and woolly hair. Identifiers: MedGen C1864850, MONDO:0012506, OMIM 610476.
Cardiomyopathy (CMYO). Also called: Cardiomyopathies. Identifiers: Orphanet 167848, MedGen C0878544, MONDO:0004994, HP:0001638. Inheritance: Various modes of inheritance.

Allele frequency attached by ClinVar (database versions not stated): TOPMed below 0.00001; ExAC 0.00001; gnomAD 0.00001.
gnomAD v4.1: 5 of 1,613,882 alleles (0.00031%); highest among the groups gnomAD compares: Non-Finnish European, 0.00042%; no homozygotes.

Submissions (6):

Labcorp Genetics (formerly Invitae), Labcorp
Classification: Uncertain significance for Arrhythmogenic right ventricular dysplasia 11. Last evaluated: 2025-04-09. Review status: criteria provided, single submitter. Criteria: Invitae Variant Classification Sherloc (09022015). Collection method: clinical testing. Allele origin: germline.
Comment: This sequence change replaces isoleucine, which is neutral and non-polar, with leucine, which is neutral and non-polar, at codon 173 of the DSC2 protein (p.Ile173Leu). This variant is present in population databases (rs766855728, gnomAD 0.0009%). This variant has not been reported in the literature in individuals affected with DSC2-related conditions. ClinVar contains an entry for this variant (Variation ID: 889856). Invitae Evidence Modeling of protein sequence and biophysical properties (such as structural, functional, and spatial information, amino acid conservation, physicochemical variation, residue mobility, and thermodynamic stability) indicates that this missense variant is expected to disrupt DSC2 protein function with a positive predictive value of 80%. In summary, the available evidence is currently insufficient to determine the role of this variant in disease. Therefore, it has been classified as a Variant of Uncertain Significance.

All of Us Research Program, National Institutes of Health
Classification: Uncertain significance for Familial isolated arrhythmogenic right ventricular dysplasia. Last evaluated: 2024-05-14. Review status: criteria provided, single submitter. Criteria: ACMG Guidelines, 2015. Collection method: clinical testing. Allele origin: germline. Inheritance: Autosomal dominant inheritance. Observed: 1 variant allele, 1 heterozygote.
Comment: This missense variant replaces isoleucine with leucine at codon 173 of the DSC2 protein. Computational prediction suggests that this variant may not impact protein structure and function (internally defined REVEL score threshold <= 0.5, PMID: 27666373). Splice site prediction tools suggest that this variant may not impact RNA splicing. To our knowledge, functional studies have not been performed for this variant. This variant has not been reported in individuals affected with cardiovascular disorders in the literature. This variant has been identified in 1/251290 chromosomes in the general population by the Genome Aggregation Database (gnomAD). The available evidence is insufficient to determine the role of this variant in disease conclusively. Therefore, this variant is classified as a Variant of Uncertain Significance.

This study involves interpretation of variants in research participants for the purpose of population health screening. Participant phenotype was not available at the time of variant classification. Additional details can be found in publication PMID: 35346344, PMCID: PMC8962531

Color Diagnostics, LLC DBA Color Health
Classification: Uncertain significance for Cardiomyopathy. Last evaluated: 2024-03-06. Review status: criteria provided, single submitter. Criteria: ACMG Guidelines, 2015. Collection method: clinical testing. Allele origin: germline.
Comment: This missense variant replaces isoleucine with leucine at codon 173 of the DSC2 protein. Computational prediction suggests that this variant may not impact protein structure and function (internally defined REVEL score threshold <= 0.5, PMID: 27666373). Splice site prediction tools suggest that this variant may not impact RNA splicing. To our knowledge, functional studies have not been performed for this variant. This variant has not been reported in individuals affected with cardiovascular disorders in the literature. This variant has been identified in 1/251290 chromosomes in the general population by the Genome Aggregation Database (gnomAD). The available evidence is insufficient to determine the role of this variant in disease conclusively. Therefore, this variant is classified as a Variant of Uncertain Significance.

Fulgent Genetics
Classification: Uncertain significance for Arrhythmogenic right ventricular dysplasia 11. Last evaluated: 2021-08-20. Review status: criteria provided, single submitter. Criteria: ACMG Guidelines, 2015. Collection method: clinical testing. Allele origin: unknown.

Ambry Genetics
Classification: Uncertain significance for Cardiovascular phenotype. Last evaluated: 2021-08-02. Review status: criteria provided, single submitter. Criteria: Ambry Variant Classification Scheme 2023. Collection method: clinical testing. Allele origin: germline.
Comment: The p.I173L variant (also known as c.517A>T), located in coding exon 5 of the DSC2 gene, results from an A to T substitution at nucleotide position 517. The isoleucine at codon 173 is replaced by leucine, an amino acid with highly similar properties. This amino acid position is conserved. In addition, the in silico prediction for this alteration is inconclusive. Since supporting evidence is limited at this time, the clinical significance of this alteration remains unclear.

Illumina Laboratory Services, Illumina
Classification: Uncertain significance for Arrhythmogenic right ventricular dysplasia 11. Last evaluated: 2018-01-15. Review status: criteria provided, single submitter. Criteria: ICSL Variant Classification Criteria 13 December 2019. Collection method: clinical testing. Allele origin: germline.

NM_024422.6(DSC2):c.517A>T (p.Ile173Leu)

Gene: DSC2 (desmocollin 2; minus strand). Cytogenetic location: 18q12.1.
Variant type: single nucleotide variant.
Coding change: c.517A>T on transcript NM_024422.6 (MANE Select); coding-DNA position 517, A replaced by T.
Protein change: p.Ile173Leu; replaces isoleucine 173 with leucine.
Molecular consequence: missense variant.
Genome position (GRCh38, 1-based): chr18:31,089,552, T>A on the plus strand (A>T on the coding strand, the complement: DSC2 is on the minus strand). VCF-style: chr18-31089552-T-A. GRCh37 (hg19) VCF-style: chr18-28669515-T-A.
Other names: c.517A>T, p.Ile173Leu (NM_004949.5); short protein forms I173L.
Identifiers: ClinVar variation 889856 (VCV000889856.18), dbSNP rs766855728, ClinGen allele CA038756.